The following is an entry in ClinVar:

ClinVar aggregate classification (germline): Conflicting classifications of pathogenicity. Review status: criteria provided, conflicting classifications (1 of 4 stars). 2 submissions from 2 submitters: Likely pathogenic (1); Uncertain significance (1). Last evaluated 2024-10-27.

Conditions:
Retinoblastoma (RB1). Also called: RETINOBLASTOMA, SOMATIC. Identifiers: Orphanet 790, MedGen C0035335, MeSH D012175, MONDO:0008380, OMIM 180200, HP:0009919. Disease mechanism: loss of function. Inheritance: Both sporadic and heritable forms are tested..

Submissions (2):

Labcorp Genetics (formerly Invitae), Labcorp
Classification: Uncertain significance for Retinoblastoma. Last evaluated: 2024-10-27. Review status: criteria provided, single submitter. Criteria: Invitae Variant Classification Sherloc (09022015). Collection method: clinical testing. Allele origin: germline.
Comment: This variant occurs in a non-coding region of the RB1 gene. It does not change the encoded amino acid sequence of the RB1 protein. This variant is not present in population databases (gnomAD no frequency). This variant has been observed in individual(s) with retinoblastoma (PMID: 12541220). Experimental studies and prediction algorithms are not available or were not evaluated, and the functional significance of this variant is currently unknown. In summary, the available evidence is currently insufficient to determine the role of this variant in disease. Therefore, it has been classified as a Variant of Uncertain Significance.

Department of Pathology and Laboratory Medicine, Sinai Health System
Classification: Likely pathogenic for retinoblastoma. Review status: criteria provided, single submitter. Criteria: ACMG Guidelines, 2015. Collection method: clinical testing. Allele origin: germline.

Literature cited by the submitters: PubMed 12541220 (cited by Labcorp Genetics (formerly Invitae), Labcorp).

NC_000013.11:g.48303701G>A

Genes: RB1 (RB transcriptional corepressor 1; plus strand), RB1-DT (RB1 divergent transcript; minus strand). Cytogenetic location: 13q14.2.
Variant type: single nucleotide variant.
Molecular consequence: non-coding transcript variant (on NR_046414.2).
Genome position: GRCh38 VCF-style: chr13-48303701-G-A. GRCh37 (hg19) VCF-style: chr13-48877837-G-A.
Other names: c.-212G>A (NM_000321.3).
Identifiers: ClinVar variation 3631085 (VCV003631085.3).